The following is an entry in ClinVar:

ClinVar aggregate classification (germline): Conflicting classifications of pathogenicity. Review status: criteria provided, conflicting classifications (1 of 4 stars). 3 submissions from 3 submitters: Likely pathogenic (2); Uncertain significance (1). Last evaluated 2025-07-04.

Conditions:
Joubert syndrome. Also called: Familial aplasia of the vermis; JOUBERT-BOLTSHAUSER SYNDROME. Identifiers: Orphanet 475, MedGen C5979921, MONDO:0018772.
Meckel syndrome, type 2 (MKS2). Also called: MKS2-Related Meckel Syndrome; MECKEL-GRUBER SYNDROME, TYPE 2. Identifiers: Orphanet 564, MedGen C1864148, MONDO:0011296, OMIM 603194.
Joubert syndrome 2 (JBTS2). Also called: CEREBELLOOCULORENAL SYNDROME 2. Identifiers: Orphanet 2318, MedGen C1842577, MONDO:0011963, OMIM 608091.

Submissions (3):

Labcorp Genetics (formerly Invitae), Labcorp
Classification: Likely pathogenic for Joubert syndrome. Last evaluated: 2025-07-04. Review status: criteria provided, single submitter. Criteria: Invitae Variant Classification Sherloc (09022015). Collection method: clinical testing. Allele origin: germline.
Comment: This sequence change affects an acceptor splice site in intron 3 of the TMEM216 gene. It is expected to disrupt RNA splicing. Variants that disrupt the donor or acceptor splice site typically lead to a loss of protein function (PMID: 16199547), and loss-of-function variants in TMEM216 are known to be pathogenic (PMID: 20512146). This variant is not present in population databases (gnomAD no frequency). This variant has not been reported in the literature in individuals affected with TMEM216-related conditions. ClinVar contains an entry for this variant (Variation ID: 3599817). Algorithms developed to predict the effect of sequence changes on RNA splicing suggest that this variant may disrupt the consensus splice site. In summary, the currently available evidence indicates that the variant is pathogenic, but additional data are needed to prove that conclusively. Therefore, this variant has been classified as Likely Pathogenic.

Fulgent Genetics
Classification: Likely pathogenic for Meckel syndrome, type 2; Joubert syndrome 2. Last evaluated: 2024-01-23. Review status: criteria provided, single submitter. Criteria: ACMG Guidelines, 2015. Collection method: clinical testing. Allele origin: germline.

Blueprint Genetics
Classification: Uncertain significance. Last evaluated: 2021-05-26. Review status: criteria provided, single submitter. Criteria: ACMG Guidelines, 2015. Collection method: clinical testing. Allele origin: germline.

Literature cited by the submitters: PubMed 16199547 (cited by Labcorp Genetics (formerly Invitae), Labcorp); PubMed 20512146 (cited by Labcorp Genetics (formerly Invitae), Labcorp).

NM_001173990.3(TMEM216):c.230-1G>C

Gene: TMEM216 (transmembrane protein 216; plus strand). Cytogenetic location: 11q12.2.
Variant type: single nucleotide variant.
Coding change: c.230-1G>C on transcript NM_001173990.3 (MANE Select); the canonical splice acceptor site of the intron before coding-DNA position 230, G replaced by C.
Molecular consequence: splice acceptor variant.
Genome position (GRCh38, 1-based): chr11:61,397,773, G>C. VCF-style: chr11-61397773-G-C. GRCh37 (hg19) VCF-style: chr11-61165245-G-C.
Other names: c.47-1G>C (NM_016499.6, NM_001330285.2); c.230-1G>C (NM_001173991.3).
Identifiers: ClinVar variation 3599817 (VCV003599817.3).
Genomic context (GRCh38, chr11:61,397,773, plus strand): 5'-TTTCCCCTGGGCCAGGAAAAGCAGACCATTTGGAGATGACTCCATGGGCTGTGTCTGACA[G>C]GTACAAAGGGAAACCTCTGCCAGCGAAAGATGCCGCTCAGTATTAGCGTGGCCTTGACCT-3'